The following is an entry in ClinVar:

ClinVar aggregate classification (germline): Benign/Likely benign. Review status: criteria provided, multiple submitters, no conflicts (2 of 4 stars). 3 submissions from 3 submitters: Benign (1); Likely benign (1). 1 of the submissions does not count toward it. Last evaluated 2026-09-01.

Conditions:
KMT5B-related disorder. Also called: KMT5B-related condition.

Allele frequency attached by ClinVar (database versions not stated): 1000 Genomes Project 30x 0.00031; 1000 Genomes Project 0.00040; ESP Exome Variant Server 0.00062; TOPMed 0.00073; gnomAD 0.00078; gnomAD exomes 0.00102; ExAC 0.00145.
gnomAD v4.1: 1,633 of 1,613,120 alleles (0.1%); highest among the groups gnomAD compares: South Asian, 0.38%; 6 homozygotes.

Submissions (3):

CeGaT Center for Human Genetics Tuebingen
Classification: Benign. Last evaluated: 2026-09-01. Review status: criteria provided, single submitter. Criteria: CeGaT Center For Human Genetics Tuebingen Variant Classification Criteria Version 2. Collection method: clinical testing. Allele origin: germline. Affected: yes. Observed: 10 variant alleles.
Comment: KMT5B: BP4, BS1, BS2

Blueprint Genetics
Classification: Likely benign. Last evaluated: 2024-11-11. Review status: criteria provided, single submitter. Criteria: ACMG Guidelines, 2015. Collection method: clinical testing. Allele origin: germline.

PreventionGenetics, part of Exact Sciences
Classification: Benign for KMT5B-related condition. Last evaluated: 2019-12-12. Review status: no assertion criteria provided. Collection method: clinical testing. Allele origin: germline. Not counted in ClinVar's aggregate classification.
Comment: This variant is classified as benign based on ACMG/AMP sequence variant interpretation guidelines (Richards et al. 2015 PMID: 25741868, with internal and published modifications).

NM_017635.5(KMT5B):c.1298A>G (p.Asn433Ser)

Gene: KMT5B (lysine methyltransferase 5B; minus strand). Cytogenetic location: 11q13.2.
Variant type: single nucleotide variant.
Coding change: c.1298A>G on transcript NM_017635.5 (MANE Select); coding-DNA position 1298, A replaced by G.
Protein change: p.Asn433Ser; replaces asparagine 433 with serine.
Molecular consequence: missense variant.
Genome position (GRCh38, 1-based): chr11:68,159,048, T>C on the plus strand (A>G on the coding strand, the complement: KMT5B is on the minus strand). VCF-style: chr11-68159048-T-C. GRCh37 (hg19) VCF-style: chr11-67926515-T-C.
Other names: c.782A>G, p.Asn261Ser (NM_001300907.1, NM_001369428.1, NM_001369429.1 and 4 more transcripts); c.578A>G, p.Asn193Ser (NM_001300908.2); c.1298A>G, p.Asn433Ser (NM_001369426.1); c.1298A>G (NM_017635.4); short protein forms N193S, N261S, N433S.
Identifiers: ClinVar variation 2642036 (VCV002642036.26), dbSNP rs139388711, ClinGen allele CA6148209.